The following is an entry in ClinVar:

NM_000834.5(GRIN2B):c.2699G>A (p.Arg900His)

Gene: GRIN2B (glutamate ionotropic receptor NMDA type subunit 2B; minus strand). Cytogenetic location: 12p13.1.
Variant type: single nucleotide variant.
Coding change: c.2699G>A on transcript NM_000834.5 (MANE Select); coding-DNA position 2699, G replaced by A.
Protein change: p.Arg900His; replaces arginine 900 with histidine.
Molecular consequence: missense variant.
Genome position (GRCh38, 1-based): chr12:13,564,539, C>T on the plus strand (G>A on the coding strand, the complement: GRIN2B is on the minus strand). VCF-style: chr12-13564539-C-T. GRCh37 (hg19) VCF-style: chr12-13717473-C-T.
Other names: c.2699G>A, p.Arg900His (NM_001413992.1); short protein forms R900H.
Identifiers: ClinVar variation 2585144 (VCV002585144.1), dbSNP rs202223088, ClinGen allele CA6460996.

ClinVar aggregate classification (germline): Uncertain significance (1 of 4 stars; one submission).

Conditions:
Developmental and epileptic encephalopathy, 27 (DEE27). Also called: GRIN2B-Related Neurodevelopmental Disorder; Epileptic encephalopathy, early infantile, 27. Identifiers: Orphanet 3451, MedGen C4015316, MONDO:0014505, OMIM 616139.

Allele frequency attached by ClinVar (database versions not stated): gnomAD exomes below 0.00001; TOPMed below 0.00001; ExAC 0.00001; gnomAD 0.00001.
gnomAD v4.1: 8 of 1,613,986 alleles (0.0005%); highest among the groups gnomAD compares: East Asian, 0.0022%; no homozygotes.

Submission:

Neuberg Centre For Genomic Medicine, NCGM
Classification: Uncertain significance for Developmental and epileptic encephalopathy, 27. Review status: criteria provided, single submitter. Criteria: ACMG Guidelines, 2015. Collection method: clinical testing. Allele origin: germline. Inheritance: Autosomal dominant inheritance. Affected: yes.
Comment: The missense variant c.2699G>A (p.Arg900His) in GRIN2B gene has not been reported previously as a pathogenic variant nor as a benign variant, to our knowledge. This variant is reported with the allele frequency (0.0003%) in the gnomAD and novel in 1000 genome database. The amino acid Arg at position 900 is changed to a His changing protein sequence and it might alter its composition and physico-chemical properties. For these reasons, this variant has been classified as Variant of Uncertain Significance (VUS).